The following is an entry in ClinVar:

ClinVar aggregate classification (germline): Uncertain significance (1 of 4 stars; one submission).

Conditions:
Martsolf syndrome (MARTS). Also called: Congenital cataract with intellectual disability and hypogonadotropic hypogonadism syndrome. Identifiers: Orphanet 1387, MedGen C0796037, MONDO:0023910.
Warburg micro syndrome 2 (WARBM2). Also called: MICRO SYNDROME 2. Identifiers: Orphanet 2510, MedGen C3280214, MONDO:0013641, OMIM 614225.

Allele frequency attached by ClinVar (database versions not stated): ExAC 0.00001; gnomAD 0.00001; gnomAD exomes 0.00002 and 0.00004; TOPMed 0.00002.
gnomAD v4.1: 15 of 1,613,286 alleles (0.00093%); highest among the groups gnomAD compares: Admixed American, 0.023%; no homozygotes.

Submission:

Labcorp Genetics (formerly Invitae), Labcorp
Classification: Uncertain significance for Martsolf syndrome; Warburg micro syndrome 2. Last evaluated: 2022-10-31. Review status: criteria provided, single submitter. Criteria: Invitae Variant Classification Sherloc (09022015). Collection method: clinical testing. Allele origin: germline.
Comment: This sequence change replaces glycine, which is neutral and non-polar, with aspartic acid, which is acidic and polar, at codon 706 of the RAB3GAP2 protein (p.Gly706Asp). This variant is present in population databases (rs775609069, gnomAD 0.03%). This variant has not been reported in the literature in individuals affected with RAB3GAP2-related conditions. ClinVar contains an entry for this variant (Variation ID: 1416346). Advanced modeling of protein sequence and biophysical properties (such as structural, functional, and spatial information, amino acid conservation, physicochemical variation, residue mobility, and thermodynamic stability) performed at Invitae indicates that this missense variant is not expected to disrupt RAB3GAP2 protein function. In summary, the available evidence is currently insufficient to determine the role of this variant in disease. Therefore, it has been classified as a Variant of Uncertain Significance.

NM_012414.4(RAB3GAP2):c.2117G>A (p.Gly706Asp)

Gene: RAB3GAP2 (RAB3 GTPase activating non-catalytic protein subunit 2; minus strand). Cytogenetic location: 1q41.
Variant type: single nucleotide variant.
Coding change: c.2117G>A on transcript NM_012414.4 (MANE Select); coding-DNA position 2117, G replaced by A.
Protein change: p.Gly706Asp; replaces glycine 706 with aspartic acid.
Molecular consequence: missense variant.
Genome position (GRCh38, 1-based): chr1:220,182,813, C>T on the plus strand (G>A on the coding strand, the complement: RAB3GAP2 is on the minus strand). VCF-style: chr1-220182813-C-T. GRCh37 (hg19) VCF-style: chr1-220356155-C-T.
Other names: short protein forms G706D.
Identifiers: ClinVar variation 1416346 (VCV001416346.5), dbSNP rs775609069, ClinGen allele CA1402503.